The following is an entry in ClinVar:

NM_080916.3(DGUOK):c.591+1G>T

Gene: DGUOK (deoxyguanosine kinase; plus strand). Cytogenetic location: 2p13.1.
Variant type: single nucleotide variant.
Coding change: c.591+1G>T on transcript NM_080916.3 (MANE Select); the canonical splice donor site of the intron after coding-DNA position 591, G replaced by T.
Molecular consequence: splice donor variant. On other transcripts: intron variant (2).
Genome position (GRCh38, 1-based): chr2:73,950,733, G>T. VCF-style: chr2-73950733-G-T. GRCh37 (hg19) VCF-style: chr2-74177860-G-T.
Other names: c.300+1G>T (NM_001318861.2, NM_001318860.2); c.282+1G>T (NM_001318862.2, NM_001318863.2); c.443+3827G>T (NM_080918.3); c.425+3845G>T (NM_001318859.2).
Identifiers: ClinVar variation 2627308 (VCV002627308.1), dbSNP rs2467050151, ClinGen allele CA347300501.
Genomic context (GRCh38, chr2:73,950,733, plus strand): 5'-TGGGAGTTTGCCAGCCGGATCACATTACATGGCTTCATCTACCTCCAGGCTTCTCCCCAG[G>T]TAACACTGAACCTACAACCTTAGACTTTAGGGCCATATGAAACCTAAGAAGTGACATTCT-3'

ClinVar aggregate classification (germline): Likely pathogenic (1 of 4 stars; one submission).

Conditions:
DGUOK-related disorder. Also called: DGUOK-related condition.

Submission:

Women's Health and Genetics/Laboratory Corporation of America, LabCorp
Classification: Likely pathogenic for DGUOK-Related Disorders. Last evaluated: 2023-09-22. Review status: criteria provided, single submitter. Criteria: LabCorp Variant Classification Summary - May 2015. Collection method: clinical testing. Allele origin: germline.
Comment: Variant summary: DGUOK c.591+1G>T is located in a canonical splice-site and is predicted to affect mRNA splicing resulting in a significantly altered protein due to either exon skipping, shortening, or inclusion of intronic material. Several computational tools predict a significant impact on normal splicing: Four predict the variant abolishes the 5' canonical splicing donor site. However, these predictions have yet to be confirmed by functional studies. The variant was absent in 251478 control chromosomes. To our knowledge, no occurrence of c.591+1G>T in individuals affected with DGUOK-Related Disorders and no experimental evidence demonstrating its impact on protein function have been reported. No submitters have cited clinical-significance assessments for this variant to ClinVar after 2014. Based on the evidence outlined above, the variant was classified as likely pathogenic.